The following is an entry in ClinVar:

ClinVar aggregate classification (germline): Uncertain significance. Review status: criteria provided, multiple submitters, no conflicts (2 of 4 stars). 2 submissions from 2 submitters: Uncertain significance (2). Last evaluated 2022-08-09.

Conditions:
GM3 synthase deficiency (SPDRS). Also called: AMISH INFANTILE EPILEPSY SYNDROME; SALT AND PEPPER MENTAL RETARDATION SYNDROME; SALT AND PEPPER DEVELOPMENTAL REGRESSION SYNDROME. Identifiers: Orphanet 171714, Orphanet 370933, MedGen C1836824, MONDO:0018274, OMIM 609056.

Submissions (2):

Labcorp Genetics (formerly Invitae), Labcorp
Classification: Uncertain significance for GM3 synthase deficiency. Last evaluated: 2022-08-09. Review status: criteria provided, single submitter. Criteria: Invitae Variant Classification Sherloc (09022015). Collection method: clinical testing. Allele origin: germline.
Comment: This variant is not present in population databases (gnomAD no frequency). This sequence change replaces glycine, which is neutral and non-polar, with alanine, which is neutral and non-polar, at codon 26 of the ST3GAL5 protein (p.Gly26Ala). This variant has not been reported in the literature in individuals affected with ST3GAL5-related conditions. In summary, the available evidence is currently insufficient to determine the role of this variant in disease. Therefore, it has been classified as a Variant of Uncertain Significance. Algorithms developed to predict the effect of missense changes on protein structure and function (SIFT, PolyPhen-2, Align-GVGD) all suggest that this variant is likely to be tolerated. ClinVar contains an entry for this variant (Variation ID: 1022379).

Blueprint Genetics
Classification: Uncertain significance. Last evaluated: 2018-04-06. Review status: criteria provided, single submitter. Criteria: ACMG Guidelines, 2015. Collection method: clinical testing. Allele origin: germline.

NM_003896.4(ST3GAL5):c.77G>C (p.Gly26Ala)

Genes: ST3GAL5 (ST3 beta-galactoside alpha-2,3-sialyltransferase 5; minus strand), LOC129934236 (ATAC-STARR-seq lymphoblastoid silent region 11709; plus strand). Cytogenetic location: 2p11.2.
Variant type: single nucleotide variant.
Coding change: c.77G>C on transcript NM_003896.4 (MANE Select); coding-DNA position 77, G replaced by C.
Protein change: p.Gly26Ala; replaces glycine 26 with alanine.
Molecular consequence: missense variant. On other transcripts: 5 prime UTR variant (6).
Genome position (GRCh38, 1-based): chr2:85,888,829, C>G on the plus strand (G>C on the coding strand, the complement: ST3GAL5 is on the minus strand). VCF-style: chr2-85888829-C-G. GRCh37 (hg19) VCF-style: chr2-86115952-C-G.
Other names: c.-886G>C (NM_001354223.2); c.-548G>C (NM_001354224.2); c.-485G>C (NM_001354226.2); c.-195G>C (NM_001354227.2); c.-139G>C (NM_001354229.2); c.-925G>C (NM_001354233.2); c.77G>C, p.Gly26Ala (NM_001363847.1); short protein forms G26A.
Identifiers: ClinVar variation 1022379 (VCV001022379.10), dbSNP rs1688068633, ClinGen allele CA347536065.